The following is an entry in ClinVar:

NM_022124.6(CDH23):c.7362G>C (p.Thr2454=)

Gene: CDH23 (cadherin related 23; plus strand). Cytogenetic location: 10q22.1.
Variant type: single nucleotide variant.
Coding change: c.7362G>C on transcript NM_022124.6 (MANE Select); coding-DNA position 7362, G replaced by C.
Protein change: p.Thr2454=; no amino-acid change (threonine 2454 retained).
Molecular consequence: synonymous variant.
Genome position (GRCh38, 1-based): chr10:71,799,629, G>C. VCF-style: chr10-71799629-G-C. GRCh37 (hg19) VCF-style: chr10-73559386-G-C.
Other names: c.642G>C, p.Thr214= (NM_001171933.1, NM_001171934.1).
Identifiers: ClinVar variation 4992955 (VCV004992955.1).

ClinVar aggregate classification (germline): Uncertain significance (1 of 4 stars; one submission).

Conditions:
CDH23-related disorder. Also called: CDH23-related condition; CDH23-related disorders.

gnomAD v4.1: 1 of 1,614,038 alleles (0.000062%); highest among the groups gnomAD compares: Non-Finnish European, 0.000085%; no homozygotes.

Submission:

PreventionGenetics, part of Exact Sciences
Classification: Uncertain significance for CDH23-related condition. Last evaluated: 2026-04-22. Review status: criteria provided, single submitter. Criteria: ACMG Guidelines, 2015. Collection method: clinical testing. Allele origin: germline.
Comment: The CDH23 c.7362G>C variant is not predicted to result in an amino acid change (p.=). To our knowledge, this variant has not been reported in the literature or in a large population database (gnomAD), indicating this variant is rare. This variant occurs at the last nucleotide of exon 52 and prediction software have a conflicting prediction whether it affects the donor splice site (Splice AI, Alamut Visual Plus v1.6.1.). An alternate substitution at this position that also does not result in an amino acid change (c.7362G>A) has been reported, along with a protein truncating variant, in individuals with Usher syndrome (see for example: Le Quesne Stabej et al. 2012. PubMed ID: 22135276; supplemental, Feenstra et al. 2022. PubMed ID: 36011334). Although we suspect the c.7362G>C variant may be pathogenic, at this time, the clinical significance of this variant is uncertain due to the absence of conclusive functional and genetic evidence.